The following is an entry in ClinVar:

ClinVar aggregate classification (germline): Uncertain significance. Review status: criteria provided, multiple submitters, no conflicts (2 of 4 stars). 2 submissions from 2 submitters: Uncertain significance (2). Last evaluated 2023-06-08.

Conditions:
Familial isolated arrhythmogenic right ventricular dysplasia. Identifiers: Orphanet 217656, MedGen C4274968, MONDO:0016342.
Arrhythmogenic right ventricular dysplasia 11. Also called: Arrhythmogenic right ventricular dysplasia 11 with mild palmoplantar keratoderma and woolly hair; Arrhythmogenic Right Ventricular Dysplasia/Cardiomyopathy11; ARRHYTHMOGENIC RIGHT VENTRICULAR DYSPLASIA, FAMILIAL, 11. Identifiers: MedGen C1864850, MONDO:0012506, OMIM 610476.

Allele frequency attached by ClinVar (database versions not stated): gnomAD exomes below 0.00001; TOPMed below 0.00001.
gnomAD v4.1: 1 of 1,614,000 alleles (0.000062%); no homozygotes.

Submissions (2):

All of Us Research Program, National Institutes of Health
Classification: Uncertain significance for Familial isolated arrhythmogenic right ventricular dysplasia. Last evaluated: 2023-06-08. Review status: criteria provided, single submitter. Criteria: ACMG Guidelines, 2015. Collection method: clinical testing. Allele origin: germline. Inheritance: Autosomal dominant inheritance. Observed: 1 variant allele, 1 heterozygote.
Comment: This missense variant replaces threonine with proline at codon 581 of the DSC2 protein. Computational prediction suggests that this variant may not impact protein structure and function (internally defined REVEL score threshold <= 0.5, PMID: 27666373). To our knowledge, functional studies have not been reported for this variant. This variant has not been reported in individuals affected with DSC2-related disorders in the literature. This variant has been identified in 1/251074 chromosomes in the general population by the Genome Aggregation Database (gnomAD). The available evidence is insufficient to determine the role of this variant in disease conclusively. Therefore, this variant is classified as a Variant of Uncertain Significance.

This study involves interpretation of variants in research participants for the purpose of population health screening. Participant phenotype was not available at the time of variant classification. Additional details can be found in publication PMID: 35346344, PMCID: PMC8962531

Labcorp Genetics (formerly Invitae), Labcorp
Classification: Uncertain significance for Arrhythmogenic right ventricular dysplasia 11. Last evaluated: 2021-04-09. Review status: criteria provided, single submitter. Criteria: Invitae Variant Classification Sherloc (09022015). Collection method: clinical testing. Allele origin: germline.
Comment: This variant is not present in population databases (ExAC no frequency). In summary, the available evidence is currently insufficient to determine the role of this variant in disease. Therefore, it has been classified as a Variant of Uncertain Significance. Algorithms developed to predict the effect of missense changes on protein structure and function (SIFT, PolyPhen-2, Align-GVGD) all suggest that this variant is likely to be tolerated, but these predictions have not been confirmed by published functional studies and their clinical significance is uncertain. This variant has not been reported in the literature in individuals with DSC2-related disease. This sequence change replaces threonine with proline at codon 581 of the DSC2 protein (p.Thr581Pro). The threonine residue is moderately conserved and there is a small physicochemical difference between threonine and proline.

NM_024422.6(DSC2):c.1741A>C (p.Thr581Pro)

Gene: DSC2 (desmocollin 2; minus strand). Cytogenetic location: 18q12.1.
Variant type: single nucleotide variant.
Coding change: c.1741A>C on transcript NM_024422.6 (MANE Select); coding-DNA position 1741, A replaced by C.
Protein change: p.Thr581Pro; replaces threonine 581 with proline.
Molecular consequence: missense variant.
Genome position (GRCh38, 1-based): chr18:31,074,830, T>G on the plus strand (A>C on the coding strand, the complement: DSC2 is on the minus strand). VCF-style: chr18-31074830-T-G. GRCh37 (hg19) VCF-style: chr18-28654796-T-G.
Other names: c.1741A>C, p.Thr581Pro (NM_004949.5); short protein forms T581P.
Identifiers: ClinVar variation 1376878 (VCV001376878.9), dbSNP rs1266547190, ClinGen allele CA402114204.